The following is an entry in ClinVar:

ClinVar aggregate classification (germline): Uncertain significance (1 of 4 stars; one submission).

Submission:

Labcorp Genetics (formerly Invitae), Labcorp
Classification: Uncertain significance. Last evaluated: 2025-10-13. Review status: criteria provided, single submitter. Criteria: Invitae Variant Classification Sherloc (09022015). Collection method: clinical testing. Allele origin: germline.
Comment: This sequence change replaces threonine, which is neutral and polar, with proline, which is neutral and non-polar, at codon 3257 of the DNAH9 protein (p.Thr3257Pro). This variant is not present in population databases (gnomAD no frequency). This variant has not been reported in the literature in individuals affected with DNAH9-related conditions. ClinVar contains an entry for this variant (Variation ID: 1713518). Invitae Evidence Modeling of protein sequence and biophysical properties (such as structural, functional, and spatial information, amino acid conservation, physicochemical variation, residue mobility, and thermodynamic stability) indicates that this missense variant is expected to disrupt DNAH9 protein function with a positive predictive value of 80%. In summary, the available evidence is currently insufficient to determine the role of this variant in disease. Therefore, it has been classified as a Variant of Uncertain Significance.

NM_001372.4(DNAH9):c.9769A>C (p.Thr3257Pro)

Gene: DNAH9 (dynein axonemal heavy chain 9; plus strand). Cytogenetic location: 17p12.
Variant type: single nucleotide variant.
Coding change: c.9769A>C on transcript NM_001372.4 (MANE Select); coding-DNA position 9769, A replaced by C.
Protein change: p.Thr3257Pro; replaces threonine 3257 with proline.
Molecular consequence: missense variant.
Genome position (GRCh38, 1-based): chr17:11,854,264, A>C. VCF-style: chr17-11854264-A-C. GRCh37 (hg19) VCF-style: chr17-11757581-A-C.
Other names: short protein forms T3257P.
Identifiers: ClinVar variation 1713518 (VCV001713518.5), dbSNP rs763247358, ClinGen allele CA398193007.